The following is an entry in ClinVar:

NM_004568.6(SERPINB6):c.212G>A (p.Gly71Asp)

Gene: SERPINB6 (serpin family B member 6; minus strand). Cytogenetic location: 6p25.2.
Variant type: single nucleotide variant.
Coding change: c.212G>A on transcript NM_004568.6 (MANE Select); coding-DNA position 212, G replaced by A.
Protein change: p.Gly71Asp; replaces glycine 71 with aspartic acid.
Molecular consequence: missense variant. On other transcripts: non-coding transcript variant (1).
Genome position (GRCh38, 1-based): chr6:2,955,624, C>T on the plus strand (G>A on the coding strand, the complement: SERPINB6 is on the minus strand). VCF-style: chr6-2955624-C-T. GRCh37 (hg19) VCF-style: chr6-2955858-C-T.
Other names: c.224G>A, p.Gly75Asp (NM_001195291.3, NM_001374515.1); c.254G>A, p.Gly85Asp (NM_001271822.2); c.269G>A, p.Gly90Asp (NM_001271823.2); c.212G>A, p.Gly71Asp (NM_001271824.2, NM_001271825.2, NM_001297699.2 and 2 more transcripts); c.80G>A, p.Gly27Asp (NM_001374517.1); short protein forms G27D, G71D, G75D, G85D, G90D.
Identifiers: ClinVar variation 3252867 (VCV003252867.1), dbSNP rs139696192.

ClinVar aggregate classification (germline): Uncertain significance (1 of 4 stars; one submission).

Allele frequency attached by ClinVar (database versions not stated): gnomAD exomes 0.00001; ExAC 0.00002; gnomAD 0.00003; TOPMed 0.00003; ESP Exome Variant Server 0.00008.
gnomAD v4.1: 25 of 1,614,048 alleles (0.0015%); highest among the groups gnomAD compares: Non-Finnish European, 0.0019%; no homozygotes.

Submission:

GeneDx
Classification: Uncertain significance. Last evaluated: 2024-05-28. Review status: criteria provided, single submitter. Criteria: GeneDx Variant Classification Process June 2021. Collection method: clinical testing. Allele origin: germline. Affected: yes.
Comment: Not observed at significant frequency in large population cohorts (gnomAD); In silico analysis indicates that this missense variant does not alter protein structure/function; Has not been previously published as pathogenic or benign to our knowledge